The following is an entry in ClinVar:

NM_000143.4(FH):c.771T>G (p.Tyr257Ter)

Gene: FH (fumarate hydratase; minus strand). Cytogenetic location: 1q43.
Variant type: single nucleotide variant.
Coding change: c.771T>G on transcript NM_000143.4 (MANE Select); coding-DNA position 771, T replaced by G.
Protein change: p.Tyr257Ter; replaces tyrosine 257 with a stop codon.
Molecular consequence: nonsense.
Genome position (GRCh38, 1-based): chr1:241,506,136, A>C on the plus strand (T>G on the coding strand, the complement: FH is on the minus strand). VCF-style: chr1-241506136-A-C. GRCh37 (hg19) VCF-style: chr1-241669436-A-C.
Other names: short protein forms Y257*.
Identifiers: ClinVar variation 2826035 (VCV002826035.4), dbSNP rs199909758, ClinGen allele CA345439055.

ClinVar aggregate classification (germline): Pathogenic. Review status: criteria provided, multiple submitters, no conflicts (2 of 4 stars). 2 submissions from 2 submitters: Pathogenic (2). Last evaluated 2024-08-05.

Conditions:
Hereditary cancer-predisposing syndrome. Also called: Neoplastic Syndromes, Hereditary; Hereditary neoplastic syndrome; Tumor predisposition; Hereditary Cancer Syndrome. Identifiers: Orphanet 140162, MedGen C0027672, MeSH D009386, MONDO:0015356.

Submissions (2):

Ambry Genetics
Classification: Pathogenic for Hereditary cancer-predisposing syndrome. Last evaluated: 2024-08-05. Review status: criteria provided, single submitter. Criteria: Ambry Variant Classification Scheme 2023. Collection method: clinical testing. Allele origin: germline.
Comment: The p.Y257* pathogenic mutation (also known as c.771T>G), located in coding exon 6 of the FH gene, results from a T to G substitution at nucleotide position 771. This changes the amino acid from a tyrosine to a stop codon within coding exon 6. This variant was reported in multiple individuals with features consistent with hereditary leiomyomatosis and renal cell cancer (Ruan Y et al. F S Rep. 2023 Dec;4:410-415; Ambry internal data). This variant is considered to be rare based on population cohorts in the Genome Aggregation Database (gnomAD). This alteration is expected to result in loss of function by premature protein truncation or nonsense-mediated mRNA decay. As such, this alteration is interpreted as a disease-causing mutation.

Labcorp Genetics (formerly Invitae), Labcorp
Classification: Pathogenic. Last evaluated: 2023-01-03. Review status: criteria provided, single submitter. Criteria: Invitae Variant Classification Sherloc (09022015). Collection method: clinical testing. Allele origin: germline.
Comment: For these reasons, this variant has been classified as Pathogenic. This variant has not been reported in the literature in individuals affected with FH-related conditions. This variant is not present in population databases (gnomAD no frequency). This sequence change creates a premature translational stop signal (p.Tyr257*) in the FH gene. It is expected to result in an absent or disrupted protein product. Loss-of-function variants in FH are known to be pathogenic (PMID: 11865300, 21398687).

Literature cited by the submitters: PubMed 38204953 (cited by Ambry Genetics); PubMed 11865300 (cited by Labcorp Genetics (formerly Invitae), Labcorp); PubMed 21398687 (cited by Labcorp Genetics (formerly Invitae), Labcorp).